The following is an entry in ClinVar:

NM_001371928.1(AHDC1):c.1228G>T (p.Glu410Ter)

Gene: AHDC1 (AT-hook DNA binding motif containing 1; minus strand). Cytogenetic location: 1p36.11.
Variant type: single nucleotide variant.
Coding change: c.1228G>T on transcript NM_001371928.1 (MANE Select); coding-DNA position 1228, G replaced by T.
Protein change: p.Glu410Ter; replaces glutamic acid 410 with a stop codon.
Molecular consequence: nonsense.
Genome position (GRCh38, 1-based): chr1:27,550,888, C>A on the plus strand (G>T on the coding strand, the complement: AHDC1 is on the minus strand). VCF-style: chr1-27550888-C-A. GRCh37 (hg19) VCF-style: chr1-27877399-C-A.
Other names: c.1228G>T, p.Glu410Ter (NM_001029882.3); short protein forms E410*.
Identifiers: ClinVar variation 3619245 (VCV003619245.2).

ClinVar aggregate classification (germline): Pathogenic (1 of 4 stars; one submission).

gnomAD v4.1: 1 of 1,587,024 alleles (0.000063%); highest among the groups gnomAD compares: East Asian, 0.0023%; no homozygotes.

Submission:

Labcorp Genetics (formerly Invitae), Labcorp
Classification: Pathogenic. Last evaluated: 2024-08-12. Review status: criteria provided, single submitter. Criteria: Invitae Variant Classification Sherloc (09022015). Collection method: clinical testing. Allele origin: germline.
Comment: This sequence change creates a premature translational stop signal (p.Glu410*) in the AHDC1 gene. It is expected to result in an absent or disrupted protein product. Loss-of-function variants in AHDC1 are known to be pathogenic (PMID: 24791903, 27148574). This variant is not present in population databases (gnomAD no frequency). This variant has not been reported in the literature in individuals affected with AHDC1-related conditions. For these reasons, this variant has been classified as Pathogenic.

Literature cited by the submitters: PubMed 24791903; PubMed 27148574.